The following is an entry in ClinVar:

ClinVar aggregate classification (germline): Uncertain significance (1 of 4 stars; one submission).

Conditions:
Imerslund-Grasbeck syndrome. Also called: Megaloblastic anemia due to inborn errors of metabolism; Imerslund-Gräsbeck syndrome; ENTEROCYTE COBALAMIN MALABSORPTION; ENTEROCYTE INTRINSIC FACTOR RECEPTOR, DEFECT OF; PERNICIOUS ANEMIA, JUVENILE, DUE TO SELECTIVE INTESTINAL MALABSORPTION OF VITAMIN B12, WITH PROTEINURIA. Identifiers: Orphanet 35858, MedGen C4551825, MONDO:0009853.

Submission:

Labcorp Genetics (formerly Invitae), Labcorp
Classification: Uncertain significance for Imerslund-Grasbeck syndrome. Last evaluated: 2019-05-25. Review status: criteria provided, single submitter. Criteria: Invitae Variant Classification Sherloc (09022015). Collection method: clinical testing. Allele origin: germline.
Comment: This variant, c.7040_7042del, results in the deletion of 1 amino acid(s) of the CUBN protein (p.Val2347del), but otherwise preserves the integrity of the reading frame. This variant is not present in population databases (ExAC no frequency). This variant has not been reported in the literature in individuals with CUBN-related conditions. Experimental studies and prediction algorithms are not available or were not evaluated for this variant, and the functional significance of the affected amino acid(s) is currently unknown. In summary, the available evidence is currently insufficient to determine the role of this variant in disease. Therefore, it has been classified as a Variant of Uncertain Significance.

NM_001081.4(CUBN):c.7037TTG[1] (p.Val2347del)

Gene: CUBN (cubilin; minus strand). Cytogenetic location: 10p13.
Variant type: Microsatellite.
Coding change: c.7037TTG[1] on transcript NM_001081.4 (MANE Select); one copy of the 3-base unit TTG starting at c.7037; the reference has two copies in a row; one copy, 3 bases deleted.
Protein change: p.Val2347del; deletes valine 2347.
Molecular consequence: inframe deletion.
Genome position (GRCh38, 1-based): chr10:16,915,989-16,915,991, CAA deleted on the plus strand (TTG on the coding strand, the reverse complement: CUBN is on the minus strand); deleting any 3 consecutive bases within chr10:16,915,989-16,915,996 gives the same sequence; the position shown is the placement nearest the transcript's 3' end. VCF-style (leftmost placement, unchanged base first): chr10-16915988-TCAA-T. GRCh37 (hg19) VCF-style: chr10-16957987-TCAA-T.
Other names: short protein forms V2347del.
Identifiers: ClinVar variation 933477 (VCV000933477.10), dbSNP rs1279549461, ClinGen allele CA662305111.